The following is an entry in ClinVar:

NM_021116.4(ADCY1):c.3256C>T (p.Arg1086Cys)

Gene: ADCY1 (adenylate cyclase 1; plus strand). Cytogenetic location: 7p12.3.
Variant type: single nucleotide variant.
Coding change: c.3256C>T on transcript NM_021116.4 (MANE Select); coding-DNA position 3256, C replaced by T.
Protein change: p.Arg1086Cys; replaces arginine 1086 with cysteine.
Molecular consequence: missense variant.
Genome position (GRCh38, 1-based): chr7:45,713,891, C>T. VCF-style: chr7-45713891-C-T. GRCh37 (hg19) VCF-style: chr7-45753490-C-T.
Other names: short protein forms R1086C.
Identifiers: ClinVar variation 2716075 (VCV002716075.3), dbSNP rs747264037, ClinGen allele CA4249460.

ClinVar aggregate classification (germline): Uncertain significance (1 of 4 stars; one submission).

Allele frequency attached by ClinVar (database versions not stated): TOPMed 0.00002; gnomAD 0.00003; ExAC 0.00004; gnomAD exomes 0.00012.
gnomAD v4.1: 80 of 780,568 alleles (0.01%); highest among the groups gnomAD compares: East Asian, 0.16%; no homozygotes.

Submission:

Labcorp Genetics (formerly Invitae), Labcorp
Classification: Uncertain significance. Last evaluated: 2023-10-29. Review status: criteria provided, single submitter. Criteria: Invitae Variant Classification Sherloc (09022015). Collection method: clinical testing. Allele origin: germline.
Comment: This sequence change replaces arginine, which is basic and polar, with cysteine, which is neutral and slightly polar, at codon 1086 of the ADCY1 protein (p.Arg1086Cys). This variant is present in population databases (rs747264037, gnomAD 0.01%). This variant has not been reported in the literature in individuals affected with ADCY1-related conditions. Algorithms developed to predict the effect of missense changes on protein structure and function output the following: SIFT: "Not Available"; PolyPhen-2: "Benign"; Align-GVGD: "Not Available". The cysteine amino acid residue is found in multiple mammalian species, which suggests that this missense change does not adversely affect protein function. In summary, the available evidence is currently insufficient to determine the role of this variant in disease. Therefore, it has been classified as a Variant of Uncertain Significance.